The following is an entry in ClinVar:

ClinVar aggregate classification (germline): Likely benign (1 of 4 stars; one submission).

Allele frequency attached by ClinVar (database versions not stated): gnomAD 0.00001; gnomAD exomes 0.00001; ExAC 0.00003.
gnomAD v4.1: 8 of 1,604,890 alleles (0.0005%); highest among the groups gnomAD compares: South Asian, 0.0022%; no homozygotes.

Submission:

CeGaT Center for Human Genetics Tuebingen
Classification: Likely benign. Last evaluated: 2022-06-01. Review status: criteria provided, single submitter. Criteria: CeGaT Center For Human Genetics Tuebingen Variant Classification Criteria Version 2. Collection method: clinical testing. Allele origin: germline. Affected: yes. Observed: 1 variant allele.
Comment: PCDHGA10: BP4, BP7

NM_018913.3(PCDHGA10):c.990A>G (p.Ala330=)

Genes: PCDHG@ (protocadherin gamma cluster; plus strand), PCDHGA1 (protocadherin gamma subfamily A, 1; plus strand), PCDHGA10 (protocadherin gamma subfamily A, 10; plus strand), PCDHGA2 (protocadherin gamma subfamily A, 2; plus strand), PCDHGA3 (protocadherin gamma subfamily A, 3; plus strand) and 12 more. Cytogenetic location: 5q31.3.
Variant type: single nucleotide variant.
Coding change: c.990A>G on transcript NM_018913.3 (MANE Select); coding-DNA position 990, A replaced by G.
Protein change: p.Ala330=; no amino-acid change (alanine 330 retained).
Molecular consequence: synonymous variant. On other transcripts: intron variant (15).
Genome position (GRCh38, 1-based): chr5:141,414,165, A>G. VCF-style: chr5-141414165-A-G. GRCh37 (hg19) VCF-style: chr5-140793732-A-G.
Other names: c.990A>G, p.Ala330= (NM_032090.2); c.2422-80642A>G (NM_018912.3); c.2424+72770A>G (NM_018915.4); c.2424+67708A>G (NM_018916.4); c.2409+61496A>G (NM_018922.3); c.2514+56544A>G (NM_018917.4); c.2421+51609A>G (NM_018923.3); c.2421+47414A>G (NM_018918.3); and 8 more.
Identifiers: ClinVar variation 2655861 (VCV002655861.24), dbSNP rs758599120, ClinGen allele CA3475038.
Genomic context (GRCh38, chr5:141,414,165, plus strand): 5'-TCTAGATTATGAAGAAACCGGTTTCTATGAAATAGAAATACAAGCAGAAGATGGAGGAGC[A>G]TATCTTGCAACTGCAAAAGTGTTGATTACAGTAGAAGATGTAAATGACAACAGTCCAGAG-3'
Protein context (NP_061736.1, residues 320-340): EIEIQAEDGG[Ala330=]YLATAKVLIT